The following is an entry in ClinVar:

NM_182931.3(KMT2E):c.4650_4658del (p.Pro1551_Ser1553del)

Gene: KMT2E (lysine methyltransferase 2E (inactive); plus strand). Cytogenetic location: 7q22.3.
Variant type: Deletion.
Coding change: c.4650_4658del on transcript NM_182931.3 (MANE Select); coding-DNA positions 4650 to 4658, 9 bases deleted (ACCTCCTTC; older notation c.4650_4658delACCTCCTTC).
Protein change: p.Pro1551_Ser1553del.
Molecular consequence: inframe deletion. On other transcripts: inframe indel (1).
Genome position (GRCh38, 1-based): chr7:105,112,406-105,112,414, ACCTCCTTC deleted; deleting any 9 consecutive bases within chr7:105,112,405-105,112,414 gives the same sequence; the c. name uses the placement nearest the transcript's 3' end. VCF-style (leftmost placement, unchanged base first): chr7-105112404-CCACCTCCTT-C. GRCh37 (hg19) VCF-style: chr7-104752851-CCACCTCCTT-C.
Other names: c.4524_4532delACCTCCTTC, p.Pro1509_Ser1511del (NM_001410908.1); c.4650_4658del, p.Pro1551_Ser1553del (NM_018682.4).
Identifiers: ClinVar variation 2433256 (VCV002433256.4), dbSNP rs2536525423, ClinGen allele CA2578983128.

ClinVar aggregate classification (germline): Uncertain significance. Review status: criteria provided, multiple submitters, no conflicts (2 of 4 stars). 2 submissions from 2 submitters: Uncertain significance (2). Last evaluated 2024-04-23.

Conditions:
O'Donnell-Luria-Rodan syndrome (ODLURO). Also called: KMT2E-Related Neurodevelopmental Disorder. Identifiers: MedGen C5193138, MONDO:0032793, OMIM 618512.

Submissions (2):

GeneDx
Classification: Uncertain significance. Last evaluated: 2024-04-23. Review status: criteria provided, single submitter. Criteria: GeneDx Variant Classification Process June 2021. Collection method: clinical testing. Allele origin: germline. Affected: yes.
Comment: In-frame deletion of 3 amino acids in a repetitive region with no known function; Not observed at significant frequency in large population cohorts (gnomAD); In silico analysis indicates that this variant does not alter protein structure/function; Has not been previously published as pathogenic or benign to our knowledge

Revvity Omics, Revvity
Classification: Uncertain significance for O'Donnell-Luria-Rodan syndrome. Last evaluated: 2021-02-08. Review status: criteria provided, single submitter. Criteria: ACMG Guidelines, 2015. Collection method: clinical testing. Allele origin: germline.